The following is an entry in ClinVar:

NM_007078.3(LDB3):c.1497G>T (p.Lys499Asn)

Gene: LDB3 (LIM domain binding 3; plus strand). Cytogenetic location: 10q23.2.
Variant type: single nucleotide variant.
Coding change: c.1497G>T on transcript NM_007078.3 (MANE Select); coding-DNA position 1497, G replaced by T.
Protein change: p.Lys499Asn; replaces lysine 499 with asparagine.
Molecular consequence: missense variant.
Genome position (GRCh38, 1-based): chr10:86,716,592, G>T. VCF-style: chr10-86716592-G-T. GRCh37 (hg19) VCF-style: chr10-88476349-G-T.
Other names: c.1167G>T, p.Lys389Asn (NM_001080114.2); c.1512G>T, p.Lys504Asn (NM_001171610.2); c.1308G>T, p.Lys436Asn (NM_001368064.1, NM_001368065.1); c.1356G>T, p.Lys452Asn (NM_001368066.1); short protein forms K504N, K499N, K389N, K452N, K436N.
Identifiers: ClinVar variation 565870 (VCV000565870.12), dbSNP rs1278770988, ClinGen allele CA377451033.

ClinVar aggregate classification (germline): Uncertain significance (1 of 4 stars; one submission).

Conditions:
Myofibrillar myopathy 4. Also called: Zaspopathy (type). Identifiers: Orphanet 98912, MedGen C4721886, MONDO:0012277, OMIM 609452.

Allele frequency attached by ClinVar (database versions not stated): gnomAD 0.00001.
gnomAD v4.1: 5 of 1,613,718 alleles (0.00031%); highest among the groups gnomAD compares: Admixed American, 0.0067%; no homozygotes.

Submission:

Labcorp Genetics (formerly Invitae), Labcorp
Classification: Uncertain significance for Myofibrillar myopathy 4. Last evaluated: 2026-02-01. Review status: criteria provided, single submitter. Criteria: Invitae Variant Classification Sherloc (09022015). Collection method: clinical testing. Allele origin: germline.
Comment: The LDB3 gene has multiple clinically relevant transcripts. This variant occurs in alternate transcript NM_007078.3, and corresponds to NM_001080116.1:c.*17218G>T in the primary transcript. This sequence change replaces lysine, which is basic and polar, with asparagine, which is neutral and polar, at codon 499 of the LDB3 protein (p.Lys499Asn). This variant is present in population databases (no rsID available, gnomAD 0.009%). This variant has not been reported in the literature in individuals affected with LDB3-related conditions. ClinVar contains an entry for this variant (Variation ID: 565870). Experimental studies and prediction algorithms are not available or were not evaluated, and the functional significance of this variant is currently unknown. In summary, the available evidence is currently insufficient to determine the role of this variant in disease. Therefore, it has been classified as a Variant of Uncertain Significance.